The following is an entry in ClinVar:

NM_022081.6(HPS4):c.2076C>T (p.Leu692=)

Gene: HPS4 (HPS4 biogenesis of lysosomal organelles complex 3 subunit 2; minus strand). Cytogenetic location: 22q12.1.
Variant type: single nucleotide variant.
Coding change: c.2076C>T on transcript NM_022081.6 (MANE Select); coding-DNA position 2076, C replaced by T.
Protein change: p.Leu692=; no amino-acid change (leucine 692 retained).
Molecular consequence: synonymous variant. On other transcripts: missense variant (2), 3 prime UTR variant (1), non-coding transcript variant (8), intron variant (2).
Genome position (GRCh38, 1-based): chr22:26,453,284, G>A on the plus strand (C>T on the coding strand, the complement: HPS4 is on the minus strand). VCF-style: chr22-26453284-G-A. GRCh37 (hg19) VCF-style: chr22-26849250-G-A.
Other names: c.2076C>T, p.Leu692= (NM_001349896.1, NM_001349898.2, NM_001349899.2); c.2130C>T, p.Leu710= (NM_001349900.2, NM_001349901.1); c.1834C>T, p.Leu612Phe (NM_001349902.1, NM_001349903.2); c.*601C>T (NM_001410832.1); c.2061C>T, p.Leu687= (NM_152841.2); c.1955+4575C>T (NM_001349905.1, NM_001349904.2); short protein forms L612F.
Identifiers: ClinVar variation 3014916 (VCV003014916.4), dbSNP rs1569006522, ClinGen allele CA513919904.

ClinVar aggregate classification (germline): Likely benign. Review status: criteria provided, multiple submitters, no conflicts (2 of 4 stars). 2 submissions from 2 submitters: Likely benign (2). Last evaluated 2025-05-04.

Allele frequency attached by ClinVar (database versions not stated): gnomAD 0.00001.
gnomAD v4.1: 3 of 1,614,104 alleles (0.00019%); highest among the groups gnomAD compares: African/African-American, 0.0027%; no homozygotes.

Submissions (2):

Labcorp Genetics (formerly Invitae), Labcorp
Classification: Likely benign. Last evaluated: 2025-05-04. Review status: criteria provided, single submitter. Criteria: Invitae Variant Classification Sherloc (09022015). Collection method: clinical testing. Allele origin: germline.

Women's Health and Genetics/Laboratory Corporation of America, LabCorp
Classification: Likely benign. Last evaluated: 2024-08-14. Review status: criteria provided, single submitter. Criteria: LabCorp Variant Classification Summary - May 2015. Collection method: clinical testing. Allele origin: germline.
Comment: Variant summary: HPS4 c.2076C>T alters a conserved nucleotide resulting in a synonymous change. The variant allele was found at a frequency of 4e-06 in 251486 control chromosomes. The available data on variant occurrences in the general population are insufficient to allow any conclusion about variant significance. To our knowledge, no occurrence of c.2076C>T in individuals affected with Hermansky-Pudlak Syndrome and no experimental evidence demonstrating its impact on protein function have been reported. ClinVar contains an entry for this variant (Variation ID: 3014916). Based on the evidence outlined above, the variant was classified as likely benign.